The following is an entry in ClinVar:

NM_001042492.3(NF1):c.1964G>A (p.Gly655Glu)

Gene: NF1 (neurofibromin 1; plus strand). Cytogenetic location: 17q11.2.
Variant type: single nucleotide variant.
Coding change: c.1964G>A on transcript NM_001042492.3 (MANE Select); coding-DNA position 1964, G replaced by A.
Protein change: p.Gly655Glu; replaces glycine 655 with glutamic acid.
Molecular consequence: missense variant.
Genome position (GRCh38, 1-based): chr17:31,225,213, G>A. VCF-style: chr17-31225213-G-A. GRCh37 (hg19) VCF-style: chr17-29552231-G-A.
Other names: c.1964G>A, p.Gly655Glu (NM_000267.4); short protein forms G655E.
Identifiers: ClinVar variation 1783496 (VCV001783496.8), dbSNP rs1555613596, ClinGen allele CA399005526.

ClinVar aggregate classification (germline): Uncertain significance. Review status: criteria provided, multiple submitters, no conflicts (2 of 4 stars). 3 submissions from 3 submitters: Uncertain significance (3). Last evaluated 2025-09-03.

Conditions:
Hereditary cancer-predisposing syndrome. Also called: Tumor predisposition; Neoplastic Syndromes, Hereditary; Hereditary Cancer Syndrome; Hereditary neoplastic syndrome. Identifiers: Orphanet 140162, MedGen C0027672, MeSH D009386, MONDO:0015356.
Cardiovascular phenotype. Identifiers: MedGen CN230736.
Neurofibromatosis, type 1 (NF1). Also called: VON RECKLINGHAUSEN DISEASE; NEUROFIBROMATOSIS, TYPE I, SOMATIC; Peripheral type neurofibromatosis; Neurofibromatosis, type I. Identifiers: Orphanet 636, MedGen C0027831, MONDO:0018975, OMIM 162200. Disease mechanism: loss of function.
Juvenile myelomonocytic leukemia (JMML). Also called: LEUKEMIA, JUVENILE MYELOMONOCYTIC, SOMATIC. Identifiers: Orphanet 86834, MedGen C0349639, MONDO:0011908, OMIM 607785, HP:0012209.
Neurofibromatosis-Noonan syndrome (NFNS). Also called: NEUROFIBROMATOSIS WITH NOONAN PHENOTYPE. Identifiers: Orphanet 638, MedGen C2931482, MONDO:0011035, OMIM 601321. Disease mechanism: loss of function.
Café-au-lait macules with pulmonary stenosis (WTSN). Also called: PULMONIC STENOSIS WITH CAFE-AU-LAIT SPOTS. Identifiers: MedGen C0553586, MONDO:0008672, OMIM 193520.
Neurofibromatosis, familial spinal (FSNF). Identifiers: Orphanet 636, MedGen C1834235, MONDO:0008078, OMIM 162210. Disease mechanism: loss of function.

Submissions (3):

Labcorp Genetics (formerly Invitae), Labcorp
Classification: Uncertain significance for Neurofibromatosis, type 1. Last evaluated: 2025-09-03. Review status: criteria provided, single submitter. Criteria: Invitae Variant Classification Sherloc (09022015). Collection method: clinical testing. Allele origin: germline.
Comment: This sequence change replaces glycine, which is neutral and non-polar, with glutamic acid, which is acidic and polar, at codon 655 of the NF1 protein (p.Gly655Glu). This variant is not present in population databases (gnomAD no frequency). This variant has not been reported in the literature in individuals affected with NF1-related conditions. ClinVar contains an entry for this variant (Variation ID: 1783496). Invitae Evidence Modeling of protein sequence and biophysical properties (such as structural, functional, and spatial information, amino acid conservation, physicochemical variation, residue mobility, and thermodynamic stability) indicates that this missense variant is not expected to disrupt NF1 protein function with a negative predictive value of 95%. In summary, the available evidence is currently insufficient to determine the role of this variant in disease. Therefore, it has been classified as a Variant of Uncertain Significance.

Fulgent Genetics
Classification: Uncertain significance for Neurofibromatosis, type 1; Neurofibromatosis, familial spinal; Café-au-lait macules with pulmonary stenosis; Neurofibromatosis-Noonan syndrome; Juvenile myelomonocytic leukemia. Last evaluated: 2024-06-03. Review status: criteria provided, single submitter. Criteria: ACMG Guidelines, 2015. Collection method: clinical testing. Allele origin: germline.

Ambry Genetics
Classification: Uncertain significance for Cardiovascular phenotype; Hereditary cancer-predisposing syndrome. Last evaluated: 2021-08-11. Review status: criteria provided, single submitter. Criteria: Ambry Variant Classification Scheme 2023. Collection method: clinical testing. Allele origin: germline.
Comment: The p.G655E variant (also known as c.1964G>A), located in coding exon 17 of the NF1 gene, results from a G to A substitution at nucleotide position 1964. The glycine at codon 655 is replaced by glutamic acid, an amino acid with similar properties. This amino acid position is highly conserved in available vertebrate species. In addition, this alteration is predicted to be tolerated by in silico analysis. Since supporting evidence is limited at this time, the clinical significance of this alteration remains unclear.